The following is an entry in ClinVar:

ClinVar aggregate classification (germline): Conflicting classifications of pathogenicity. Review status: criteria provided, conflicting classifications (1 of 4 stars). 3 submissions from 3 submitters: Uncertain significance (2); Likely benign (1). Last evaluated 2025-10-24.

Conditions:
Inborn genetic diseases. Identifiers: MedGen C0950123, MeSH D030342.
Bardet-Biedl syndrome 10 (BBS10). Identifiers: Orphanet 110, MedGen C1859568, MONDO:0014438, OMIM 615987.
Bardet-Biedl syndrome (BBS). Identifiers: Orphanet 110, MedGen C0752166, MONDO:0015229.

Allele frequency attached by ClinVar (database versions not stated): gnomAD 0.00001; gnomAD exomes 0.00001 and 0.00002; TOPMed 0.00002.
gnomAD v4.1: 5 of 1,613,974 alleles (0.00031%); highest among the groups gnomAD compares: East Asian, 0.011%; no homozygotes.

Submissions (3):

Ambry Genetics
Classification: Likely benign for Inborn genetic diseases. Last evaluated: 2025-10-24. Review status: criteria provided, single submitter. Criteria: Ambry Variant Classification Scheme 2023. Collection method: clinical testing. Allele origin: germline.

Fulgent Genetics
Classification: Uncertain significance for Bardet-Biedl syndrome 10. Last evaluated: 2024-06-20. Review status: criteria provided, single submitter. Criteria: ACMG Guidelines, 2015. Collection method: clinical testing. Allele origin: germline.

Labcorp Genetics (formerly Invitae), Labcorp
Classification: Uncertain significance for Bardet-Biedl syndrome. Last evaluated: 2021-09-24. Review status: criteria provided, single submitter. Criteria: Invitae Variant Classification Sherloc (09022015). Collection method: clinical testing. Allele origin: germline.
Comment: This sequence change replaces asparagine with serine at codon 543 of the BBS10 protein (p.Asn543Ser). The asparagine residue is weakly conserved and there is a small physicochemical difference between asparagine and serine. This variant is not present in population databases (ExAC no frequency). This variant has not been reported in the literature in individuals with BBS10-related conditions. Algorithms developed to predict the effect of missense changes on protein structure and function output the following: SIFT: "Tolerated"; PolyPhen-2: "Benign"; Align-GVGD: "Class C0". The serine amino acid residue is found in multiple mammalian species, suggesting that this missense change does not adversely affect protein function. These predictions have not been confirmed by published functional studies and their clinical significance is uncertain. In summary, the available evidence is currently insufficient to determine the role of this variant in disease. Therefore, it has been classified as a Variant of Uncertain Significance.

NM_024685.4(BBS10):c.1628A>G (p.Asn543Ser)

Gene: BBS10 (Bardet-Biedl syndrome 10; minus strand). Cytogenetic location: 12q21.2.
Variant type: single nucleotide variant.
Coding change: c.1628A>G on transcript NM_024685.4 (MANE Select); coding-DNA position 1628, A replaced by G.
Protein change: p.Asn543Ser; replaces asparagine 543 with serine.
Molecular consequence: missense variant.
Genome position (GRCh38, 1-based): chr12:76,346,357, T>C on the plus strand (A>G on the coding strand, the complement: BBS10 is on the minus strand). VCF-style: chr12-76346357-T-C. GRCh37 (hg19) VCF-style: chr12-76740137-T-C.
Other names: c.1628A>G (NM_024685.3); short protein forms N543S.
Identifiers: ClinVar variation 1471349 (VCV001471349.7), dbSNP rs1444034224, ClinGen allele CA385810745.
Genomic context (GRCh38, chr12:76,346,357, plus strand): 5'-TGTAAATTTTCGTAAGAAATTTCTATTCTATTTCCCCTTGTTGAATAAGCAGTGGAATTG[T>C]TCTTGAGTAATGGTTCATAATAATCAGTTAGCCTGTTTCTTTCCAAAGACAAACATGTCA-3'
Protein context (NP_078961.3, residues 533-553): LTDYYEPLLK[Asn543Ser]NSTAYSTRGN